The following is an entry in ClinVar:

ClinVar aggregate classification (germline): Uncertain significance. Review status: criteria provided, multiple submitters, no conflicts (2 of 4 stars). 3 submissions from 3 submitters: Uncertain significance (3). Last evaluated 2025-01-31.

Conditions:
Inborn genetic diseases. Identifiers: MedGen C0950123, MeSH D030342.
Immunodeficiency, common variable, 2 (CVID2). Also called: ANTIBODY DEFICIENCY DUE TO TACI DEFECT; HYPOGAMMAGLOBULINEMIA DUE TO TACI DEFICIENCY. Identifiers: Orphanet 1572, MedGen C3150354, MONDO:0009413, OMIM 240500.

Allele frequency attached by ClinVar (database versions not stated): gnomAD 0.00001; TOPMed 0.00001.
gnomAD v4.1: 4 of 1,614,118 alleles (0.00025%); highest among the groups gnomAD compares: Admixed American, 0.0067%; no homozygotes.

Submissions (3):

Ambry Genetics
Classification: Uncertain significance for Inborn genetic diseases. Last evaluated: 2025-01-31. Review status: criteria provided, single submitter. Criteria: Ambry Variant Classification Scheme 2023. Collection method: clinical testing. Allele origin: germline.

Labcorp Genetics (formerly Invitae), Labcorp
Classification: Uncertain significance for Immunodeficiency, common variable, 2. Last evaluated: 2024-01-02. Review status: criteria provided, single submitter. Criteria: Invitae Variant Classification Sherloc (09022015). Collection method: clinical testing. Allele origin: germline.
Comment: This sequence change replaces leucine, which is neutral and non-polar, with proline, which is neutral and non-polar, at codon 44 of the TNFRSF13B protein (p.Leu44Pro). This variant is present in population databases (no rsID available, gnomAD 0.006%). This variant has not been reported in the literature in individuals affected with TNFRSF13B-related conditions. ClinVar contains an entry for this variant (Variation ID: 1945544). Advanced modeling of protein sequence and biophysical properties (such as structural, functional, and spatial information, amino acid conservation, physicochemical variation, residue mobility, and thermodynamic stability) performed at Invitae indicates that this missense variant is expected to disrupt TNFRSF13B protein function with a positive predictive value of 80%. In summary, the available evidence is currently insufficient to determine the role of this variant in disease. Therefore, it has been classified as a Variant of Uncertain Significance.

Blueprint Genetics
Classification: Uncertain significance. Last evaluated: 2020-10-19. Review status: criteria provided, single submitter. Criteria: ACMG Guidelines, 2015. Collection method: clinical testing. Allele origin: germline.

NM_012452.3(TNFRSF13B):c.131T>C (p.Leu44Pro)

Gene: TNFRSF13B (TNF receptor superfamily member 13B; minus strand). Cytogenetic location: 17p11.2.
Variant type: single nucleotide variant.
Coding change: c.131T>C on transcript NM_012452.3 (MANE Select); coding-DNA position 131, T replaced by C.
Protein change: p.Leu44Pro; replaces leucine 44 with proline.
Molecular consequence: missense variant.
Genome position (GRCh38, 1-based): chr17:16,952,514, A>G on the plus strand (T>C on the coding strand, the complement: TNFRSF13B is on the minus strand). VCF-style: chr17-16952514-A-G. GRCh37 (hg19) VCF-style: chr17-16855828-A-G.
Other names: short protein forms L44P.
Identifiers: ClinVar variation 1945544 (VCV001945544.5), dbSNP rs1485786201, ClinGen allele CA398520424.